The following is an entry in ClinVar:

ClinVar aggregate classification (germline): Uncertain significance. Review status: criteria provided, multiple submitters, no conflicts (2 of 4 stars). 2 submissions from 2 submitters: Uncertain significance (2). Last evaluated 2025-03-08.

Conditions:
Hereditary cancer-predisposing syndrome. Also called: Hereditary Cancer Syndrome; Hereditary neoplastic syndrome; Neoplastic Syndromes, Hereditary; Tumor predisposition. Identifiers: Orphanet 140162, MedGen C0027672, MeSH D009386, MONDO:0015356.
Familial adenomatous polyposis 1 (FAP1). Also called: FAMILIAL ADENOMATOUS POLYPOSIS 1, ATTENUATED; POLYPOSIS, ADENOMATOUS INTESTINAL. Identifiers: MedGen C2713442, MONDO:0021056, OMIM 175100. Disease mechanism: loss of function.

Submissions (2):

Ambry Genetics
Classification: Uncertain significance for Hereditary cancer-predisposing syndrome. Last evaluated: 2025-03-08. Review status: criteria provided, single submitter. Criteria: Ambry Variant Classification Scheme 2023. Collection method: clinical testing. Allele origin: germline.
Comment: The p.S1411N variant (also known as c.4232G>A), located in coding exon 15 of the APC gene, results from a G to A substitution at nucleotide position 4232. The serine at codon 1411 is replaced by asparagine, an amino acid with highly similar properties. This amino acid position is highly conserved in available vertebrate species. In addition, in silico predictors for this gene do not accurately predict pathogenicity. Missense alterations in APC are not a common cause of disease (Spier I et al. Genet Med. 2024 Feb;26(2):100992). Based on the available evidence, the clinical significance of this variant remains unclear.

Labcorp Genetics (formerly Invitae), Labcorp
Classification: Uncertain significance for Familial adenomatous polyposis 1. Last evaluated: 2023-03-07. Review status: criteria provided, single submitter. Criteria: Invitae Variant Classification Sherloc (09022015). Collection method: clinical testing. Allele origin: germline.
Comment: In summary, the available evidence is currently insufficient to determine the role of this variant in disease. Therefore, it has been classified as a Variant of Uncertain Significance. Advanced modeling of protein sequence and biophysical properties (such as structural, functional, and spatial information, amino acid conservation, physicochemical variation, residue mobility, and thermodynamic stability) performed at Invitae indicates that this missense variant is not expected to disrupt APC protein function. ClinVar contains an entry for this variant (Variation ID: 1738924). This variant has not been reported in the literature in individuals affected with APC-related conditions. This variant is not present in population databases (gnomAD no frequency). This sequence change replaces serine, which is neutral and polar, with asparagine, which is neutral and polar, at codon 1411 of the APC protein (p.Ser1411Asn).

NM_000038.6(APC):c.4232G>A (p.Ser1411Asn)

Gene: APC (APC regulator of Wnt signaling pathway; plus strand). Cytogenetic location: 5q22.2.
Variant type: single nucleotide variant.
Coding change: c.4232G>A on transcript NM_000038.6 (MANE Select); coding-DNA position 4232, G replaced by A.
Protein change: p.Ser1411Asn; replaces serine 1411 with asparagine.
Molecular consequence: missense variant.
Genome position (GRCh38, 1-based): chr5:112,839,826, G>A. VCF-style: chr5-112839826-G-A. GRCh37 (hg19) VCF-style: chr5-112175523-G-A.
Other names: c.4232G>A, p.Ser1411Asn (NM_001127510.3, NM_001354895.2, NM_001407450.1); c.4178G>A, p.Ser1393Asn (NM_001127511.3); c.4286G>A, p.Ser1429Asn (NM_001354896.2, NM_001407447.1, NM_001407448.1 and 1 more transcripts); c.4262G>A, p.Ser1421Asn (NM_001354897.2); c.4157G>A, p.Ser1386Asn (NM_001354898.2); c.4148G>A, p.Ser1383Asn (NM_001354899.2); c.4109G>A, p.Ser1370Asn (NM_001354900.2); c.4055G>A, p.Ser1352Asn (NM_001354901.2, NM_001407453.1); and 11 more; short protein forms S1282N, S1285N, S1328N, S1370N, S1404N, S1421N, S1439N, S1310N.
Identifiers: ClinVar variation 1738924 (VCV001738924.8), dbSNP rs2149909537, ClinGen allele CA16030604.